The following is an entry in ClinVar:

NM_198253.3(TERT):c.2413C>A (p.Leu805Ile)

Gene: TERT (telomerase reverse transcriptase; minus strand). Cytogenetic location: 5p15.33.
Variant type: single nucleotide variant.
Coding change: c.2413C>A on transcript NM_198253.3 (MANE Select); coding-DNA position 2413, C replaced by A.
Protein change: p.Leu805Ile; replaces leucine 805 with isoleucine.
Molecular consequence: missense variant.
Genome position (GRCh38, 1-based): chr5:1,271,174, G>T on the plus strand (C>A on the coding strand, the complement: TERT is on the minus strand). VCF-style: chr5-1271174-G-T. GRCh37 (hg19) VCF-style: chr5-1271289-G-T.
Other names: c.2413C>A, p.Leu805Ile (NM_003219.1, NM_001193376.3); short protein forms L805I.
Identifiers: ClinVar variation 2165117 (VCV002165117.4), dbSNP rs2126614509, ClinGen allele CA359075780.
Genomic context (GRCh38, chr5:1,271,174, plus strand): 5'-CTCACTTGCCCCTGATGCGCACGGCGTGGTGGCACATGAAGCGTAGGAAGACGTCGAAGA[G>T]GCCACTGCTGGCCTCATTCAGGGAGGAGCTCTGCGAAAGCAGACGGGAGACACATGGGAG-3'
Protein context (NP_937983.2, residues 795-815): SSSLNEASSG[Leu805Ile]FDVFLRFMCH

ClinVar aggregate classification (germline): Uncertain significance (1 of 4 stars; one submission).

Conditions:
Dyskeratosis congenita, autosomal dominant 2. Identifiers: MedGen C3151443, MONDO:0013521, OMIM 613989.
Idiopathic Pulmonary Fibrosis. Also called: Idiopathic fibrosing alveolitis, chronic form; idiopathic fibrosing alveolitis. Identifiers: Orphanet 2032, MedGen C1800706, MeSH D054990, MONDO:0800504.

Allele frequency attached by ClinVar (database versions not stated): gnomAD exomes below 0.00001.
gnomAD v4.1: 1 of 1,613,208 alleles (0.000062%); highest among the groups gnomAD compares: Non-Finnish European, 0.000085%; no homozygotes.

Submission:

Labcorp Genetics (formerly Invitae), Labcorp
Classification: Uncertain significance for Dyskeratosis congenita, autosomal dominant 2; Idiopathic Pulmonary Fibrosis. Last evaluated: 2022-12-07. Review status: criteria provided, single submitter. Criteria: Invitae Variant Classification Sherloc (09022015). Collection method: clinical testing. Allele origin: germline.
Comment: This variant is not present in population databases (gnomAD no frequency). In summary, the available evidence is currently insufficient to determine the role of this variant in disease. Therefore, it has been classified as a Variant of Uncertain Significance. Advanced modeling of protein sequence and biophysical properties (such as structural, functional, and spatial information, amino acid conservation, physicochemical variation, residue mobility, and thermodynamic stability) performed at Invitae indicates that this missense variant is expected to disrupt TERT protein function. This variant has not been reported in the literature in individuals affected with TERT-related conditions. This sequence change replaces leucine, which is neutral and non-polar, with isoleucine, which is neutral and non-polar, at codon 805 of the TERT protein (p.Leu805Ile).